The following is an entry in ClinVar:

NM_018180.3(DHX32):c.723C>A (p.His241Gln)

Gene: DHX32 (DEAH-box helicase 32 (putative); minus strand). Cytogenetic location: 10q26.2.
Variant type: single nucleotide variant.
Coding change: c.723C>A on transcript NM_018180.3 (MANE Select); coding-DNA position 723, C replaced by A.
Protein change: p.His241Gln; replaces histidine 241 with glutamine.
Molecular consequence: missense variant.
Genome position (GRCh38, 1-based): chr10:125,859,729, G>T on the plus strand (C>A on the coding strand, the complement: DHX32 is on the minus strand). VCF-style: chr10-125859729-G-T. GRCh37 (hg19) VCF-style: chr10-127548298-G-T.
Other names: short protein forms H241Q.
Identifiers: ClinVar variation 3613778 (VCV003613778.2).
Genomic context (GRCh38, chr10:125,859,729, plus strand): 5'-GCGTAAAATAGACTCAAAAGAATCCTTTTGAGCCTCACTAAGGTACACAACCTCCACAGG[G>T]TGTTTATTTTTCACTTCTATGACAGGCACGTTTCCATAATAAGAATTGAGTTTGCTGATC-3'
Protein context (NP_060650.2, residues 231-251): NVPVIEVKNK[His241Gln]PVEVVYLSEA

ClinVar aggregate classification (germline): Uncertain significance (1 of 4 stars; one submission).

gnomAD v4.1: 2 of 1,614,092 alleles (0.00012%); highest among the groups gnomAD compares: African/African-American, 0.0013%; no homozygotes.

Submission:

Labcorp Genetics (formerly Invitae), Labcorp
Classification: Uncertain significance. Last evaluated: 2024-11-07. Review status: criteria provided, single submitter. Criteria: Invitae Variant Classification Sherloc (09022015). Collection method: clinical testing. Allele origin: germline.
Comment: This sequence change replaces histidine, which is basic and polar, with glutamine, which is neutral and polar, at codon 241 of the DHX32 protein (p.His241Gln). This variant is present in population databases (no rsID available, gnomAD 0.0009%). This variant has not been reported in the literature in individuals affected with DHX32-related conditions. An algorithm developed to predict the effect of missense changes on protein structure and function (PolyPhen-2) suggests that this variant is likely to be tolerated. In summary, the available evidence is currently insufficient to determine the role of this variant in disease. Therefore, it has been classified as a Variant of Uncertain Significance.